The following is an entry in ClinVar:

ClinVar aggregate classification (germline): Uncertain significance (1 of 4 stars; one submission).

Conditions:
Renal cell carcinoma. Identifiers: Orphanet 217071, MedGen C0007134, MeSH D002292, MONDO:0005086, HP:0005584.

Submission:

Labcorp Genetics (formerly Invitae), Labcorp
Classification: Uncertain significance for Renal cell carcinoma. Last evaluated: 2023-06-05. Review status: criteria provided, single submitter. Criteria: Invitae Variant Classification Sherloc (09022015). Collection method: clinical testing. Allele origin: germline.
Comment: In summary, the available evidence is currently insufficient to determine the role of this variant in disease. Therefore, it has been classified as a Variant of Uncertain Significance. Advanced modeling of protein sequence and biophysical properties (such as structural, functional, and spatial information, amino acid conservation, physicochemical variation, residue mobility, and thermodynamic stability) performed at Invitae indicates that this missense variant is not expected to disrupt MET protein function. This variant has not been reported in the literature in individuals affected with MET-related conditions. This variant is not present in population databases (gnomAD no frequency). This sequence change replaces glutamine, which is neutral and polar, with lysine, which is basic and polar, at codon 155 of the MET protein (p.Gln155Lys).

NM_000245.4(MET):c.463C>A (p.Gln155Lys)

Gene: MET (MET proto-oncogene, receptor tyrosine kinase; plus strand). Cytogenetic location: 7q31.2.
Variant type: single nucleotide variant.
Coding change: c.463C>A on transcript NM_000245.4 (MANE Select); coding-DNA position 463, C replaced by A.
Protein change: p.Gln155Lys; replaces glutamine 155 with lysine.
Molecular consequence: missense variant. On other transcripts: intron variant (1).
Genome position (GRCh38, 1-based): chr7:116,699,547, C>A. VCF-style: chr7-116699547-C-A. GRCh37 (hg19) VCF-style: chr7-116339601-C-A.
Other names: c.463C>A, p.Gln155Lys (NM_001127500.3, NM_001324401.3); c.-91+26970C>A (NM_001324402.2); short protein forms Q155K.
Identifiers: ClinVar variation 2772999 (VCV002772999.3), dbSNP rs2116589460, ClinGen allele CA368969136.